The following is an entry in ClinVar:

ClinVar aggregate classification (germline): Uncertain significance (1 of 4 stars; one submission).

Submission:

Ambry Genetics
Classification: Uncertain significance. Last evaluated: 2025-04-12. Review status: criteria provided, single submitter. Criteria: Ambry Variant Classification Scheme 2023. Collection method: clinical testing. Allele origin: germline.
Comment: The p.L107P variant (also known as c.320T>C), located in coding exon 1 of the GALNT12 gene, results from a T to C substitution at nucleotide position 320. The leucine at codon 107 is replaced by proline, an amino acid with similar properties. This amino acid position is conserved. In addition, the in silico prediction for this alteration is inconclusive. Based on the available evidence, the clinical significance of this variant remains unclear.

NM_024642.5(GALNT12):c.320T>C (p.Leu107Pro)

Gene: GALNT12 (polypeptide N-acetylgalactosaminyltransferase 12; plus strand). Cytogenetic location: 9q22.33.
Variant type: single nucleotide variant.
Coding change: c.320T>C on transcript NM_024642.5 (MANE Select); coding-DNA position 320, T replaced by C.
Protein change: p.Leu107Pro; replaces leucine 107 with proline.
Molecular consequence: missense variant.
Genome position (GRCh38, 1-based): chr9:98,808,018, T>C. VCF-style: chr9-98808018-T-C. GRCh37 (hg19) VCF-style: chr9-101570300-T-C.
Other names: short protein forms L107P.
Identifiers: ClinVar variation 4028005 (VCV004028005.1).
Genomic context (GRCh38, chr9:98,808,018, plus strand): 5'-AGGGCGAGGAGCTGCGGCTGCAGGAGGAGAGCGTGCGGCTGCACCAGATTAACATCTACC[T>C]CAGCGACCGCATCTCACTGCACCGCCGCCTGCCCGAGCGCTGGAACCCGCTGTGAGTGCA-3'
Protein context (NP_078918.3, residues 97-117): SVRLHQINIY[Leu107Pro]SDRISLHRRL